The following is an entry in ClinVar:

ClinVar aggregate classification (germline): Uncertain significance (1 of 4 stars; one submission).

Submission:

Labcorp Genetics (formerly Invitae), Labcorp
Classification: Uncertain significance. Last evaluated: 2024-12-16. Review status: criteria provided, single submitter. Criteria: Invitae Variant Classification Sherloc (09022015). Collection method: clinical testing. Allele origin: germline.
Comment: This variant, c.429_461dup, results in the insertion of 11 amino acid(s) of the AEBP1 protein (p.Lys154_Pro164dup), but otherwise preserves the integrity of the reading frame. This variant is not present in population databases (gnomAD no frequency). This variant has not been reported in the literature in individuals affected with AEBP1-related conditions. Experimental studies and prediction algorithms are not available or were not evaluated, and the functional significance of this variant is currently unknown. In summary, the available evidence is currently insufficient to determine the role of this variant in disease. Therefore, it has been classified as a Variant of Uncertain Significance.

NM_001129.5(AEBP1):c.429_461dup (p.Pro164_Pro165insLysGluLysProProLysAlaThrLysLysPro)

Gene: AEBP1 (AE binding protein 1; plus strand). Cytogenetic location: 7p13.
Variant type: Duplication.
Coding change: c.429_461dup on transcript NM_001129.5 (MANE Select); coding-DNA positions 429 to 461, 33 bases duplicated.
Protein change: p.Pro164_Pro165insLysGluLysProProLysAlaThrLysLysPro.
Genome position (GRCh38, 1-based): chr7:44,106,721-44,106,753, 33 bases duplicated; duplicating any 33 consecutive bases within chr7:44,106,701-44,106,753 gives the same sequence; the c. name uses the placement nearest the transcript's 3' end. GRCh37 (hg19): chr7:44,146,320-44,146,352.
Identifiers: ClinVar variation 3698877 (VCV003698877.2).
Genomic context (GRCh38, chr7:44,106,700, plus strand): 5'-GCCCAAGAAGGGGAAGGAGAAGCCACCCAAGGCCACCAAGAAGCCCAAGGAGAAGCCACC[T>TAAGGCCACCAAGAAGCCCAAGGAGAAGCCACCC]AAGGCCACCAAGAAGCCCAAGGAGAAGCCACCCAAGGCCACCAAGAAGCCCAAAGAGAAG-3'